The following is an entry in ClinVar:

NM_004035.7(ACOX1):c.695A>G (p.Tyr232Cys)

Gene: ACOX1 (acyl-CoA oxidase 1; minus strand). Cytogenetic location: 17q25.1.
Variant type: single nucleotide variant.
Coding change: c.695A>G on transcript NM_004035.7 (MANE Select); coding-DNA position 695, A replaced by G.
Protein change: p.Tyr232Cys; replaces tyrosine 232 with cysteine.
Molecular consequence: missense variant.
Genome position (GRCh38, 1-based): chr17:75,955,645, T>C on the plus strand (A>G on the coding strand, the complement: ACOX1 is on the minus strand). VCF-style: chr17-75955645-T-C. GRCh37 (hg19) VCF-style: chr17-73951726-T-C.
Other names: c.581A>G, p.Tyr194Cys (NM_001185039.2); c.695A>G, p.Tyr232Cys (NM_007292.6); short protein forms Y194C, Y232C.
Identifiers: ClinVar variation 4738737 (VCV004738737.1).

ClinVar aggregate classification (germline): Uncertain significance (1 of 4 stars; one submission).

Conditions:
Acyl-CoA oxidase deficiency. Also called: Peroxisomal acyl-CoA oxidase deficiency; STRAIGHT-CHAIN ACYL-CoA OXIDASE DEFICIENCY; Pseudoneonatal adrenoleukodystrophy. Identifiers: Orphanet 2971, MedGen C1849678, MONDO:0009919, OMIM 264470. Disease mechanism: loss of function.

gnomAD v4.1: 1 of 1,614,224 alleles (0.000062%); highest among the groups gnomAD compares: South Asian, 0.0011%; no homozygotes.

Submission:

Labcorp Genetics (formerly Invitae), Labcorp
Classification: Uncertain significance for Acyl-CoA oxidase deficiency. Last evaluated: 2025-08-16. Review status: criteria provided, single submitter. Criteria: Invitae Variant Classification Sherloc (09022015). Collection method: clinical testing. Allele origin: germline.
Comment: This sequence change replaces tyrosine, which is neutral and polar, with cysteine, which is neutral and slightly polar, at codon 232 of the ACOX1 protein (p.Tyr232Cys). This variant is not present in population databases (gnomAD no frequency). This variant has not been reported in the literature in individuals affected with ACOX1-related conditions. Invitae Evidence Modeling of protein sequence and biophysical properties (such as structural, functional, and spatial information, amino acid conservation, physicochemical variation, residue mobility, and thermodynamic stability) indicates that this missense variant is not expected to disrupt ACOX1 protein function with a negative predictive value of 80%. In summary, the available evidence is currently insufficient to determine the role of this variant in disease. Therefore, it has been classified as a Variant of Uncertain Significance.